The following is an entry in ClinVar:

ClinVar aggregate classification (germline): Uncertain significance. Review status: criteria provided, multiple submitters, no conflicts (2 of 4 stars). 2 submissions from 2 submitters: Uncertain significance (2). Last evaluated 2025-04-24.

Allele frequency attached by ClinVar (database versions not stated): gnomAD exomes below 0.00001 and 0.00001; ExAC 0.00001; TOPMed 0.00002; gnomAD 0.00005 and 0.00006.
gnomAD v4.1: 17 of 1,613,904 alleles (0.0011%); highest among the groups gnomAD compares: African/African-American, 0.021%; no homozygotes.

Submissions (2):

Labcorp Genetics (formerly Invitae), Labcorp
Classification: Uncertain significance. Last evaluated: 2025-04-24. Review status: criteria provided, single submitter. Criteria: Invitae Variant Classification Sherloc (09022015). Collection method: clinical testing. Allele origin: germline.
Comment: This sequence change replaces methionine, which is neutral and non-polar, with threonine, which is neutral and polar, at codon 63 of the ZNF513 protein (p.Met63Thr). This variant is present in population databases (rs779633031, gnomAD 0.02%). This variant has not been reported in the literature in individuals affected with ZNF513-related conditions. ClinVar contains an entry for this variant (Variation ID: 860519). An algorithm developed to predict the effect of missense changes on protein structure and function (PolyPhen-2) suggests that this variant is likely to be tolerated. In summary, the available evidence is currently insufficient to determine the role of this variant in disease. Therefore, it has been classified as a Variant of Uncertain Significance.

Ambry Genetics
Classification: Uncertain significance. Last evaluated: 2023-12-21. Review status: criteria provided, single submitter. Criteria: Ambry Variant Classification Scheme 2023. Collection method: clinical testing. Allele origin: germline.

NM_144631.6(ZNF513):c.188T>C (p.Met63Thr)

Gene: ZNF513 (zinc finger protein 513; minus strand). Cytogenetic location: 2p23.3.
Variant type: single nucleotide variant.
Coding change: c.188T>C on transcript NM_144631.6 (MANE Select); coding-DNA position 188, T replaced by C.
Protein change: p.Met63Thr; replaces methionine 63 with threonine.
Molecular consequence: missense variant. On other transcripts: initiator codon variant (1).
Genome position (GRCh38, 1-based): chr2:27,380,116, A>G on the plus strand (T>C on the coding strand, the complement: ZNF513 is on the minus strand). VCF-style: chr2-27380116-A-G. GRCh37 (hg19) VCF-style: chr2-27602983-A-G.
Other names: c.2T>C, p.Met1Thr (NM_001201459.2); short protein forms M63T, M1T.
Identifiers: ClinVar variation 860519 (VCV000860519.11), dbSNP rs779633031, ClinGen allele CA1578134.
Genomic context (GRCh38, chr2:27,380,116, plus strand): 5'-GCGGCCGCTAATCCTTAACCAAGACCCGAAAACCCACCTTCCGAGTCTCTCTCGAAGCCC[A>G]TGAGCTGGTCACTGTTGCCGTCGCCTTCCTCCTCTTCCTCTTCCTCCTCAAACTCCAGAT-3'
Protein context (NP_653232.3, residues 53-73): EEGDGNSDQL[Met63Thr]GFERDSEGDS